The following is an entry in ClinVar:

ClinVar aggregate classification (germline): Uncertain significance (1 of 4 stars; one submission).

Conditions:
Progressive sclerosing poliodystrophy (MTDPS4A). Also called: NEURONAL DEGENERATION OF CHILDHOOD WITH LIVER DISEASE, PROGRESSIVE; Alpers Syndrome; ALPERS DIFFUSE DEGENERATION OF CEREBRAL GRAY MATTER WITH HEPATIC CIRRHOSIS; Alpers-Huttenlocher Syndrome; Mitochondrial DNA depletion syndrome 4A (Alpers type); Mitochondrial DNA Depletion Syndrome 4A. Identifiers: Orphanet 726, MedGen C0205710, MONDO:0008758, OMIM 203700.

Submission:

Labcorp Genetics (formerly Invitae), Labcorp
Classification: Uncertain significance for Progressive sclerosing poliodystrophy. Last evaluated: 2021-10-03. Review status: criteria provided, single submitter. Criteria: Invitae Variant Classification Sherloc (09022015). Collection method: clinical testing. Allele origin: germline.
Comment: Algorithms developed to predict the effect of missense changes on protein structure and function are either unavailable or do not agree on the potential impact of this missense change (SIFT: "Deleterious"; PolyPhen-2: "Possibly Damaging"; Align-GVGD: "Class C0"). In summary, the available evidence is currently insufficient to determine the role of this variant in disease. Therefore, it has been classified as a Variant of Uncertain Significance. This variant has not been reported in the literature in individuals affected with POLG-related conditions. This variant is not present in population databases (ExAC no frequency). This sequence change replaces glutamine with leucine at codon 68 of the POLG protein (p.Gln68Leu). The glutamine residue is moderately conserved and there is a moderate physicochemical difference between glutamine and leucine.

NM_002693.3(POLG):c.203A>T (p.Gln68Leu)

Genes: POLG (DNA polymerase gamma, catalytic subunit; minus strand), POLGARF (POLG alternative reading frame; minus strand). Cytogenetic location: 15q26.1.
Variant type: single nucleotide variant.
Coding change: c.203A>T on transcript NM_002693.3 (MANE Select); coding-DNA position 203, A replaced by T.
Protein change: p.Gln68Leu; replaces glutamine 68 with leucine.
Molecular consequence: missense variant.
Genome position (GRCh38, 1-based): chr15:89,333,552, T>A on the plus strand (A>T on the coding strand, the complement: POLG is on the minus strand). VCF-style: chr15-89333552-T-A. GRCh37 (hg19) VCF-style: chr15-89876783-T-A.
Other names: c.203A>T, p.Gln68Leu (NM_001126131.2); short protein forms Q68L.
Identifiers: ClinVar variation 1353383 (VCV001353383.6), dbSNP rs1171419088, ClinGen allele CA393773649.